The following is an entry in ClinVar:

ClinVar aggregate classification (germline): Pathogenic (1 of 4 stars; one submission).

Submission:

GeneDx
Classification: Pathogenic. Last evaluated: 2025-08-18. Review status: criteria provided, single submitter. Criteria: GeneDx Variant Classification Process June 2021. Collection method: clinical testing. Allele origin: germline. Affected: yes.
Comment: Located in the highly conserved Gly-X-Y repeat of the collagenous domain; Glycine substitution variants in this region of the COLVII protein destabilize the collagen triple helix resulting in skin fragility due to poor anchoring of the basement membrane to the underlying dermis (PMID: 20301481); Not observed at significant frequency in large population cohorts (gnomAD); In silico analysis supports that this missense variant has a deleterious effect on protein structure/function; Has not been previously published as pathogenic or benign to our knowledge; This variant is associated with the following publications: (PMID: 20301481)

NM_000094.4(COL7A1):c.6172G>A (p.Gly2058Arg)

Gene: COL7A1 (collagen type VII alpha 1 chain; minus strand). Cytogenetic location: 3p21.31.
Variant type: single nucleotide variant.
Coding change: c.6172G>A on transcript NM_000094.4 (MANE Select); coding-DNA position 6172, G replaced by A.
Protein change: p.Gly2058Arg; replaces glycine 2058 with arginine.
Molecular consequence: missense variant.
Genome position (GRCh38, 1-based): chr3:48,575,347, C>T on the plus strand (G>A on the coding strand, the complement: COL7A1 is on the minus strand). VCF-style: chr3-48575347-C-T. GRCh37 (hg19) VCF-style: chr3-48612780-C-T.
Other names: short protein forms G2058R.
Identifiers: ClinVar variation 1335827 (VCV001335827.4), dbSNP rs2107673815, ClinGen allele CA352662855.